The following is an entry in ClinVar:

NM_206937.2(LIG4):c.482del (p.Ala161fs)

Gene: LIG4 (DNA ligase 4; minus strand). Cytogenetic location: 13q33.3.
Variant type: Deletion.
Coding change: c.482del on transcript NM_206937.2 (MANE Select); coding-DNA position 482, one base deleted (C; older notation c.482delC).
Protein change: p.Ala161fs; shifts the reading frame from alanine 161.
Molecular consequence: frameshift variant.
Genome position (GRCh38, 1-based): chr13:108,210,787, G deleted on the plus strand (C on the coding strand, the reverse complement: LIG4 is on the minus strand). VCF-style (leftmost placement, unchanged base first): chr13-108210786-AG-A. GRCh37 (hg19) VCF-style: chr13-108863134-AG-A.
Other names: c.482del, p.Ala161fs (NM_001098268.2, NM_001352598.2, NM_001352599.2 and 6 more transcripts); c.281del, p.Ala94fs (NM_001330595.2); c.518del, p.Ala173fs (NM_001352604.2); short protein forms A161fs, A94fs, A173fs.
Identifiers: ClinVar variation 2736058 (VCV002736058.3), dbSNP rs1216940721, ClinGen allele CA694838142.
Genomic context (GRCh38, chr13:108,210,786, plus strand): 5'-AAGTGCTGAACTCTGAGTTATAAGTTGAAGAAGGCTCTTTTTTATTAGGTCTTTTCTTTT[AG>A]CAGAATTATTGCTGGCAATTGAGTCTAAAAGGTCGTTTACTTGCTGTATGGTTAAACTTC-3'

ClinVar aggregate classification (germline): Pathogenic (1 of 4 stars; one submission).

Conditions:
DNA ligase IV deficiency. Identifiers: Orphanet 99812, MedGen C1847827, MONDO:0011686, OMIM 606593.

Allele frequency attached by ClinVar (database versions not stated): gnomAD exomes below 0.00001; TOPMed below 0.00001.

Submission:

Labcorp Genetics (formerly Invitae), Labcorp
Classification: Pathogenic for DNA ligase IV deficiency. Last evaluated: 2023-06-23. Review status: criteria provided, single submitter. Criteria: Invitae Variant Classification Sherloc (09022015). Collection method: clinical testing. Allele origin: germline.
Comment: This sequence change creates a premature translational stop signal (p.Ala161Valfs*6) in the LIG4 gene. While this is not anticipated to result in nonsense mediated decay, it is expected to disrupt the last 751 amino acid(s) of the LIG4 protein. This variant is not present in population databases (gnomAD no frequency). For these reasons, this variant has been classified as Pathogenic. This variant disrupts a region of the LIG4 protein in which other variant(s) (p.Arg814*) have been determined to be pathogenic (PMID: 11779494, 16088910, 24123394, 25239263, 27063650, 27612988). This suggests that this is a clinically significant region of the protein, and that variants that disrupt it are likely to be disease-causing. This premature translational stop signal has been observed in individual(s) with clinical features of combined immunodeficiency (PMID: 27577878).

Literature cited by the submitters: PubMed 11779494; PubMed 16088910; PubMed 24123394; PubMed 25239263; PubMed 27063650; PubMed 27612988; PubMed 27577878.